The following is an entry in ClinVar:

NM_001374736.1(DST):c.15962C>T (p.Ser5321Leu)

Gene: DST (dystonin; minus strand). Cytogenetic location: 6p12.1.
Variant type: single nucleotide variant.
Coding change: c.15962C>T on transcript NM_001374736.1 (MANE Select); coding-DNA position 15962, C replaced by T.
Protein change: p.Ser5321Leu; replaces serine 5321 with leucine.
Molecular consequence: missense variant.
Genome position (GRCh38, 1-based): chr6:56,552,830, G>A on the plus strand (C>T on the coding strand, the complement: DST is on the minus strand). VCF-style: chr6-56552830-G-A. GRCh37 (hg19) VCF-style: chr6-56417628-G-A.
Other names: c.9605C>T, p.Ser3202Leu (NM_001144769.5); c.9191C>T, p.Ser3064Leu (NM_001144770.2); c.15962C>T, p.Ser5321Leu (NM_001374722.1); c.15329C>T, p.Ser5110Leu (NM_001374729.1); c.9071C>T, p.Ser3024Leu (NM_001374730.1, NM_001386100.1, NM_183380.4); c.15989C>T, p.Ser5330Leu (NM_001374734.1); c.8093C>T, p.Ser2698Leu (NM_015548.5); short protein forms S2698L, S5110L, S5330L, S3202L, S5321L, S3024L, S3064L.
Identifiers: ClinVar variation 2010466 (VCV002010466.4), dbSNP rs2152555553, ClinGen allele CA364514672.

ClinVar aggregate classification (germline): Uncertain significance (1 of 4 stars; one submission).

Conditions:
Epidermolysis bullosa simplex 3, localized or generalized intermediate, with BP230 deficiency (EBS3). Also called: Epidermolysis bullosa simplex, autosomal recessive 2; Epidermolysis bullosa simplex due to BP230 deficiency. Identifiers: Orphanet 412181, MedGen C3809470, MONDO:0014180, OMIM 615425.
Hereditary sensory and autonomic neuropathy type 6. Also called: HSAN VI; Neuropathy, hereditary sensory and autonomic, type VI. Identifiers: Orphanet 314381, MedGen C3539003, MONDO:0013839, OMIM 614653.

Allele frequency attached by ClinVar (database versions not stated): gnomAD exomes below 0.00001; gnomAD 0.00001; 1000 Genomes Project 30x 0.00016.
gnomAD v4.1: 2 of 1,612,962 alleles (0.00012%); highest among the groups gnomAD compares: East Asian, 0.0022%; no homozygotes.

Submission:

Labcorp Genetics (formerly Invitae), Labcorp
Classification: Uncertain significance for Epidermolysis bullosa simplex 3, localized or generalized intermediate, with BP230 deficiency; Hereditary sensory and autonomic neuropathy type 6. Last evaluated: 2022-06-25. Review status: criteria provided, single submitter. Criteria: Invitae Variant Classification Sherloc (09022015). Collection method: clinical testing. Allele origin: germline.
Comment: In summary, the available evidence is currently insufficient to determine the role of this variant in disease. Therefore, it has been classified as a Variant of Uncertain Significance. Experimental studies and prediction algorithms are not available or were not evaluated, and the functional significance of this variant is currently unknown. This variant has not been reported in the literature in individuals affected with DST-related conditions. This variant is not present in population databases (gnomAD no frequency). This sequence change replaces serine, which is neutral and polar, with leucine, which is neutral and non-polar, at codon 2698 of the DST protein (p.Ser2698Leu). The DST gene has multiple clinically relevant transcripts. This variant occurs in alternate transcript NM_015548.4, and corresponds to NM_001723.5:c.*62687C>T in the primary transcript.